The following is an entry in ClinVar:

ClinVar aggregate classification (germline): Likely benign (1 of 4 stars; one submission).

Conditions:
NRP2-related disorder. Also called: NRP2-related condition.

gnomAD v4.1: 11 of 1,612,938 alleles (0.00068%); highest among the groups gnomAD compares: Non-Finnish European, 0.00093%; no homozygotes.

Submission:

PreventionGenetics, part of Exact Sciences
Classification: Likely benign for NRP2-related condition. Last evaluated: 2025-10-16. Review status: criteria provided, single submitter. Criteria: ACMG Guidelines, 2015. Collection method: clinical testing. Allele origin: germline.
Comment: This variant is classified as likely benign based on ACMG/AMP sequence variant interpretation guidelines (Richards et al. 2015 PMID: 25741868, with internal and published modifications).

NM_003872.3(NRP2):c.2425+9546G>C

Gene: NRP2 (neuropilin 2; plus strand). Cytogenetic location: 2q33.3.
Variant type: single nucleotide variant.
Coding change: c.2425+9546G>C on transcript NM_003872.3 (MANE Select); 9546 bases into the intron after coding-DNA position 2425, G replaced by C.
Molecular consequence: intron variant. On other transcripts: synonymous variant (2).
Genome position (GRCh38, 1-based): chr2:205,776,349, G>C. VCF-style: chr2-205776349-G-C. GRCh37 (hg19) VCF-style: chr2-206641073-G-C.
Other names: c.2544G>C, p.Leu848= (NM_018534.4); c.2529G>C, p.Leu843= (NM_201267.2); c.2440+9531G>C (NM_201266.2); c.2425+9546G>C (NM_201279.2).
Identifiers: ClinVar variation 4982251 (VCV004982251.1).